The following is an entry in ClinVar:

ClinVar aggregate classification (germline): Uncertain significance. Review status: criteria provided, multiple submitters, no conflicts (2 of 4 stars). 3 submissions from 3 submitters: Uncertain significance (3). Last evaluated 2026-06-24.

Conditions:
Inborn genetic diseases. Identifiers: MedGen C0950123, MeSH D030342.
Brown-Vialetto-van Laere syndrome 1. Also called: BROWN-VIALETTO-VAN LAERE SYNDROME 1, MILD; BULBAR PALSY, PROGRESSIVE, WITH SENSORINEURAL DEAFNESS; PONTOBULBAR PALSY WITH DEAFNESS. Identifiers: Orphanet 572550, Orphanet 97229, MedGen C0796274, MONDO:0024537, OMIM 211530.
SLC52A3-related disorder. Also called: SLC52A3-related condition.

Allele frequency attached by ClinVar (database versions not stated): gnomAD 0.00004 and 0.00003; gnomAD exomes 0.00004 and 0.00007; TOPMed 0.00004; ESP Exome Variant Server 0.00015; ExAC 0.00004.

Submissions (3):

PreventionGenetics, part of Exact Sciences
Classification: Uncertain significance for SLC52A3-related condition. Last evaluated: 2026-06-24. Review status: criteria provided, single submitter. Criteria: ACMG Guidelines, 2015. Collection method: clinical testing. Allele origin: germline.
Comment: The SLC52A3 c.928G>A variant is predicted to result in the amino acid substitution p.Val310Ile. To our knowledge, this variant has not been reported in the literature. This variant is reported in 0.011% of alleles in individuals of Latino descent in gnomAD. At this time, the clinical significance of this variant is uncertain due to the absence of conclusive functional and genetic evidence.

Labcorp Genetics (formerly Invitae), Labcorp
Classification: Uncertain significance for Brown-Vialetto-van Laere syndrome 1. Last evaluated: 2022-06-10. Review status: criteria provided, single submitter. Criteria: Invitae Variant Classification Sherloc (09022015). Collection method: clinical testing. Allele origin: germline.
Comment: This sequence change replaces valine, which is neutral and non-polar, with isoleucine, which is neutral and non-polar, at codon 310 of the SLC52A3 protein (p.Val310Ile). This variant is present in population databases (rs145194879, gnomAD 0.01%). This variant has not been reported in the literature in individuals affected with SLC52A3-related conditions. Algorithms developed to predict the effect of missense changes on protein structure and function are either unavailable or do not agree on the potential impact of this missense change (SIFT: "Tolerated"; PolyPhen-2: "Possibly Damaging"; Align-GVGD: "Class C0"). In summary, the available evidence is currently insufficient to determine the role of this variant in disease. Therefore, it has been classified as a Variant of Uncertain Significance.

Ambry Genetics
Classification: Uncertain significance for Inborn genetic diseases. Last evaluated: 2021-11-24. Review status: criteria provided, single submitter. Criteria: Ambry Variant Classification Scheme 2023. Collection method: clinical testing. Allele origin: germline.
Comment: The p.V310I variant (also known as c.928G>A), located in coding exon 2 of the SLC52A3 gene, results from a G to A substitution at nucleotide position 928. The valine at codon 310 is replaced by isoleucine, an amino acid with highly similar properties. This amino acid position is well conserved in available vertebrate species. In addition, this alteration is predicted to be tolerated by in silico analysis. Since supporting evidence is limited at this time, the clinical significance of this alteration remains unclear.

NM_033409.4(SLC52A3):c.928G>A (p.Val310Ile)

Gene: SLC52A3 (solute carrier family 52 member 3; minus strand). Cytogenetic location: 20p13.
Variant type: single nucleotide variant.
Coding change: c.928G>A on transcript NM_033409.4 (MANE Select); coding-DNA position 928, G replaced by A.
Protein change: p.Val310Ile; replaces valine 310 with isoleucine.
Molecular consequence: missense variant.
Genome position (GRCh38, 1-based): chr20:763,643, C>T on the plus strand (G>A on the coding strand, the complement: SLC52A3 is on the minus strand). VCF-style: chr20-763643-C-T. GRCh37 (hg19) VCF-style: chr20-744287-C-T.
Other names: c.928G>A, p.Val310Ile (NM_001370085.1, NM_001370086.1); short protein forms V310I.
Identifiers: ClinVar variation 1473450 (VCV001473450.6), dbSNP rs145194879, ClinGen allele CA9724649.